The following is an entry in ClinVar:

ClinVar aggregate classification (germline): Uncertain significance (1 of 4 stars; one submission).

gnomAD v4.1: 1 of 1,199,190 alleles (0.000083%); highest among the groups gnomAD compares: African/African-American, 0.0017%; no homozygotes.

Submission:

GeneDx
Classification: Uncertain significance. Last evaluated: 2024-02-29. Review status: criteria provided, single submitter. Criteria: GeneDx Variant Classification Process June 2021. Collection method: clinical testing. Allele origin: germline. Affected: yes.
Comment: Not observed at significant frequency in large population cohorts (gnomAD); In silico analysis supports that this missense variant has a deleterious effect on protein structure/function; Has not been previously published as pathogenic or benign to our knowledge

NM_173495.3(PTCHD1):c.20A>T (p.His7Leu)

Gene: PTCHD1 (patched domain containing 1; plus strand). Cytogenetic location: Xp22.11.
Variant type: single nucleotide variant.
Coding change: c.20A>T on transcript NM_173495.3 (MANE Select); coding-DNA position 20, A replaced by T.
Protein change: p.His7Leu; replaces histidine 7 with leucine.
Molecular consequence: missense variant.
Genome position (GRCh38, 1-based): chrX:23,334,895, A>T. VCF-style: chrX-23334895-A-T. GRCh37 (hg19) VCF-style: chrX-23353012-A-T.
Other names: short protein forms H7L.
Identifiers: ClinVar variation 3340252 (VCV003340252.1).